The following is an entry in ClinVar:

ClinVar aggregate classification (germline): Pathogenic (1 of 4 stars; one submission).

Conditions:
Neurofibromatosis, type 1 (NF1). Also called: Peripheral type neurofibromatosis; NEUROFIBROMATOSIS, TYPE I, SOMATIC; Neurofibromatosis, type I; VON RECKLINGHAUSEN DISEASE. Identifiers: Orphanet 636, MedGen C0027831, MONDO:0018975, OMIM 162200. Disease mechanism: loss of function.

Submission:

Department of Research and Development, Institute Hermes Pardini
Classification: Pathogenic for Neurofibromatosis, type 1. Last evaluated: 2016-02-02. Review status: criteria provided, single submitter. Criteria: ACMG Guidelines, 2015. Collection method: research. Allele origin: germline. Inheritance: Autosomal dominant inheritance. Affected: yes. Observed: 1 variant allele.
Comment: PVS1 - disrupt gene (frameshift), PM2 - Absent in population databases, PM4 - Protein lenght change, PP3 - Multiple deleterious effect and PP4 - Patient's phenotype

NM_001042492.3(NF1):c.6952dup (p.Val2318fs)

Gene: NF1 (neurofibromin 1; plus strand). Cytogenetic location: 17q11.2.
Variant type: Duplication.
Coding change: c.6952dup on transcript NM_001042492.3 (MANE Select); coding-DNA position 6952, one base duplicated (G; older notation c.6952dupG).
Protein change: p.Val2318fs; shifts the reading frame from valine 2318.
Molecular consequence: frameshift variant.
Genome position (GRCh38, 1-based): chr17:31,340,535, G duplicated; the last of 3 consecutive G bases (chr17:31,340,533-31,340,535); duplicating any one gives the same sequence. VCF-style (leftmost placement, unchanged base first): chr17-31340532-T-TG. GRCh37 (hg19) VCF-style: chr17-29667550-T-TG.
Other names: c.6889dup, p.Val2297Glyfs (NM_000267.4); short protein forms V2318fs, V2297fs.
Identifiers: ClinVar variation 223148 (VCV000223148.1), dbSNP rs1057519369, ClinGen allele CA16044137.